The following is an entry in ClinVar:

NM_001385001.1(MCTP2):c.1971A>T (p.Leu657Phe)

Gene: MCTP2 (multiple C2 and transmembrane domain containing 2; plus strand). Cytogenetic location: 15q26.2.
Variant type: single nucleotide variant.
Coding change: c.1971A>T on transcript NM_001385001.1 (MANE Select); coding-DNA position 1971, A replaced by T.
Protein change: p.Leu657Phe; replaces leucine 657 with phenylalanine.
Molecular consequence: missense variant. On other transcripts: non-coding transcript variant (7).
Genome position (GRCh38, 1-based): chr15:94,401,905, A>T. VCF-style: chr15-94401905-A-T. GRCh37 (hg19) VCF-style: chr15-94945134-A-T.
Other names: c.1971A>T, p.Leu657Phe (NM_001159643.2, NM_001385002.1, NM_001385003.1 and 5 more transcripts); c.735A>T, p.Leu245Phe (NM_001159644.2); c.1689A>T, p.Leu563Phe (NM_001385007.1); c.1473A>T, p.Leu491Phe (NM_001385009.1, NM_001385010.1); c.1653A>T, p.Leu551Phe (NM_001385011.1); short protein forms L245F, L491F, L551F, L563F, L657F.
Identifiers: ClinVar variation 2635434 (VCV002635434.1), dbSNP rs774644591, ClinGen allele CA7750240.
Genomic context (GRCh38, chr15:94,401,905, plus strand): 5'-TGGAATATTTGTAGTATTTAAATCTAGTTTCCTGTTTGTCATTTTTTAAAATCAGATCTT[A>T]TCAAGAGATGTGGACCGTGTGAAAAGAATCACTATGGCAATATGGAATACAATGCAGTTC-3'
Protein context (NP_001371930.1, residues 647-667): EDSRKLSKKI[Leu657Phe]SRDVDRVKRI

ClinVar aggregate classification (germline): Uncertain significance (1 of 4 stars; one submission).

Conditions:
MCTP2-related disorder. Also called: MCTP2-related condition.

gnomAD v4.1: 2 of 1,606,246 alleles (0.00012%); highest among the groups gnomAD compares: South Asian, 0.0023%; no homozygotes.

Submission:

PreventionGenetics, part of Exact Sciences
Classification: Uncertain significance for MCTP2-related condition. Last evaluated: 2022-11-18. Review status: criteria provided, single submitter. Criteria: ACMG Guidelines, 2015. Collection method: clinical testing. Allele origin: germline.
Comment: The MCTP2 c.1971A>T variant is predicted to result in the amino acid substitution p.Leu657Phe. To our knowledge, this variant has not been reported in the literature. This variant is reported in 0.0035% of alleles in individuals of South Asian descent in gnomAD. At this time, the clinical significance of this variant is uncertain due to the absence of conclusive functional and genetic evidence.